The following is an entry in ClinVar:

NM_000531.6(OTC):c.718-2_731del

Gene: OTC (ornithine transcarbamylase; plus strand). Cytogenetic location: Xp11.4.
Variant type: Deletion.
Coding change: c.718-2_731del on transcript NM_000531.6 (MANE Select); the canonical splice acceptor site of the intron before coding-DNA position 718 through coding-DNA position 731, 16 bases deleted (AGAATGGTACCAAGCT).
Molecular consequence: splice acceptor variant.
Genome position (GRCh38, 1-based): chrX:38,408,874-38,408,889, AGAATGGTACCAAGCT deleted; deleting any 16 consecutive bases within chrX:38,408,871-38,408,889 gives the same sequence; the c. name uses the placement nearest the transcript's 3' end. VCF-style (leftmost placement, unchanged base first): chrX-38408870-TGCTAGAATGGTACCAA-T. GRCh37 (hg19) VCF-style: chrX-38268123-TGCTAGAATGGTACCAA-T.
Other names: c.718-4_729delCTAGAATGGTACCAAG (NM_000531.5).
Identifiers: ClinVar variation 97304 (VCV000097304.3), dbSNP rs72558434, ClinGen allele CA224762.

ClinVar aggregate classification (germline): Pathogenic. Review status: criteria provided, single submitter (1 of 4 stars). 2 submissions from 2 submitters: Pathogenic (1). 1 of the submissions does not count toward it. Last evaluated 2025-04-04.

Conditions:
Ornithine carbamoyltransferase deficiency (OTCD). Also called: ORNITHINE TRANSCARBAMYLASE DEFICIENCY, HYPERAMMONEMIA DUE TO; ORNITHINE TRANSCARBAMYLASE DEFICIENCY; OTC DEFICIENCY; Ornithine Carbamoyltransferase Deficiency Disease. Identifiers: Orphanet 664, MedGen C0268542, MONDO:0010703, OMIM 311250.

Submissions (2):

Myriad Genetics, Inc.
Classification: Pathogenic for Ornithine carbamoyltransferase deficiency. Last evaluated: 2025-04-04. Review status: criteria provided, single submitter. Criteria: Myriad Autosomal Dominant, Autosomal Recessive and X-Linked Classification Criteria (2023). Collection method: clinical testing. Allele origin: unknown.
Comment: NM_000531.5(OTC):c.718-2_731del16 is a variant in a canonical splice site classified as pathogenic in the context of ornithine transcarbamylase deficiency. c.718-2_731del16 has been observed in a case with relevant disease (PMID: 16786505). Relevant functional assessments of this variant are not available in the literature. c.718-2_731del16 has not been observed in referenced population frequency databases. In summary, NM_000531.5(OTC):c.718-2_731del16 is a variant in a canonical splice site in a gene where loss of function is a known mechanism of disease, is predicted to disrupt protein function, and has been observed more frequently in cases with the relevant disease than in healthy populations. Please note: this variant was assessed in the context of healthy population screening.

GenMed Metabolism Lab
Classification: Pathogenic. Review status: no assertion criteria provided. Collection method: not provided. Allele origin: unknown. Not counted in ClinVar's aggregate classification.
ClinVar note: Converted during submission from pathogenic to Pathogenic.

Literature cited by the submitters: PubMed 16786505 (cited by Myriad Genetics, Inc.).